The following is an entry in ClinVar:

ClinVar aggregate classification (germline): Uncertain significance (1 of 4 stars; one submission).

Submission:

Labcorp Genetics (formerly Invitae), Labcorp
Classification: Uncertain significance. Last evaluated: 2025-07-19. Review status: criteria provided, single submitter. Criteria: Invitae Variant Classification Sherloc (09022015). Collection method: clinical testing. Allele origin: germline.
Comment: This sequence change affects codon 284 of the HOXB13 mRNA. It is a 'silent' change, meaning that it does not change the encoded amino acid sequence of the HOXB13 protein. This variant is not present in population databases (gnomAD no frequency). This variant has not been reported in the literature in individuals affected with HOXB13-related conditions. Algorithms developed to predict the effect of sequence changes on RNA splicing suggest that this variant may create or strengthen a splice site. In summary, the available evidence is currently insufficient to determine the role of this variant in disease. Therefore, it has been classified as a Variant of Uncertain Significance.

NM_006361.6(HOXB13):c.852T>G (p.Pro284=)

Gene: HOXB13 (homeobox B13; minus strand). Cytogenetic location: 17q21.32.
Variant type: single nucleotide variant.
Coding change: c.852T>G on transcript NM_006361.6 (MANE Select); coding-DNA position 852, T replaced by G.
Protein change: p.Pro284=; no amino-acid change (proline 284 retained).
Molecular consequence: synonymous variant.
Genome position (GRCh38, 1-based): chr17:48,726,793, A>C on the plus strand (T>G on the coding strand, the complement: HOXB13 is on the minus strand). VCF-style: chr17-48726793-A-C. GRCh37 (hg19) VCF-style: chr17-46804155-A-C.
Identifiers: ClinVar variation 4753814 (VCV004753814.1).